The following is an entry in ClinVar:

NM_000702.4(ATP1A2):c.2563+5G>A

Gene: ATP1A2 (ATPase Na+/K+ transporting subunit alpha 2; plus strand). Cytogenetic location: 1q23.2.
Variant type: single nucleotide variant.
Coding change: c.2563+5G>A on transcript NM_000702.4 (MANE Select); 5 bases into the intron after coding-DNA position 2563, G replaced by A.
Molecular consequence: intron variant.
Genome position (GRCh38, 1-based): chr1:160,136,375, G>A. VCF-style: chr1-160136375-G-A. GRCh37 (hg19) VCF-style: chr1-160106165-G-A.
Identifiers: ClinVar variation 1011319 (VCV001011319.6), dbSNP rs763626030, ClinGen allele CA1194775.

ClinVar aggregate classification (germline): Uncertain significance (1 of 4 stars; one submission).

Conditions:
Familial hemiplegic migraine. Identifiers: MedGen C0338484, MONDO:0000700.

Allele frequency attached by ClinVar (database versions not stated): ExAC 0.00003; gnomAD 0.00003 and 0.00004; TOPMed 0.00004.
gnomAD v4.1: 16 of 1,613,796 alleles (0.00099%); highest among the groups gnomAD compares: African/African-American, 0.0053%; no homozygotes.

Submission:

Labcorp Genetics (formerly Invitae), Labcorp
Classification: Uncertain significance for Familial hemiplegic migraine. Last evaluated: 2025-12-19. Review status: criteria provided, single submitter. Criteria: Invitae Variant Classification Sherloc (09022015). Collection method: clinical testing. Allele origin: germline.
Comment: This sequence change falls in intron 18 of the ATP1A2 gene. It does not directly change the encoded amino acid sequence of the ATP1A2 protein. It affects a nucleotide within the consensus splice site. This variant is present in population databases (rs763626030, gnomAD 0.009%). This variant has not been reported in the literature in individuals affected with ATP1A2-related conditions. ClinVar contains an entry for this variant (Variation ID: 1011319). Variants that disrupt the consensus splice site are a relatively common cause of aberrant splicing (PMID: 17576681, 9536098). Algorithms developed to predict the effect of sequence changes on RNA splicing suggest that this variant may disrupt the consensus splice site. In summary, the available evidence is currently insufficient to determine the role of this variant in disease. Therefore, it has been classified as a Variant of Uncertain Significance.

Literature cited by the submitters: PubMed 17576681; PubMed 9536098.